The following is an entry in ClinVar:

ClinVar aggregate classification (germline): Pathogenic/Likely pathogenic. Review status: criteria provided, multiple submitters, no conflicts (2 of 4 stars). 4 submissions from 4 submitters: Pathogenic (2); Likely pathogenic (1). 1 of the submissions does not count toward it. Last evaluated 2026-04-07.

Conditions:
Autosomal dominant nonsyndromic hearing loss 6 (LFSNHL). Also called: DEAFNESS, AUTOSOMAL DOMINANT 6; Autosomal dominant nonsyndromic deafness 6; DEAFNESS, AUTOSOMAL DOMINANT 14; DEAFNESS, AUTOSOMAL DOMINANT 38. Identifiers: Orphanet 90635, MedGen C1833021, MONDO:0010963, OMIM 600965.
Wolfram syndrome 1 (WFS1). Identifiers: Orphanet 3463, MedGen C4551693, MONDO:0009101, OMIM 222300.
Cataract 41 (CTRCT41). Also called: CATARACT 41, CONGENITAL NUCLEAR TYPE. Identifiers: Orphanet 91492, Orphanet 98991, Orphanet 98992, Orphanet 98995, MedGen C3805412, MONDO:0007287, OMIM 116400.
Wolfram-like syndrome. Also called: HEARING LOSS, PROGRESSIVE, WITH OPTIC ATROPHY AND/OR IMPAIRED GLUCOSE REGULATION. Identifiers: Orphanet 411590, MedGen C3280358, MONDO:0013673, OMIM 614296.
Type 2 diabetes mellitus. Also called: Type II diabetes mellitus. Identifiers: MedGen C0011860, MeSH D003924, MONDO:0005148, OMIM 125853, HP:0005978.

gnomAD v4.1: 8 of 1,612,704 alleles (0.0005%); highest among the groups gnomAD compares: Non-Finnish European, 0.00068%; no homozygotes.

Submissions (4):

GeneDx
Classification: Pathogenic. Last evaluated: 2026-04-07. Review status: criteria provided, single submitter. Criteria: GeneDx Variant Classification Process June 2021. Collection method: clinical testing. Allele origin: germline.
Comment: Published functional studies found this variant is associated with mislocalization and impaired interaction with SEC24 (PMID: 34848728, 16195229); In silico analysis supports that this missense variant has a deleterious effect on protein structure/function; This variant is associated with the following publications: (PMID: 16195229, 28468959, 24227685, 39064493, 40534315, 20160352, 26435059, 22983116, 32521500, 32179840, 9771706, 28974383, 34848728)

Labcorp Genetics (formerly Invitae), Labcorp
Classification: Pathogenic. Last evaluated: 2025-08-30. Review status: criteria provided, single submitter. Criteria: Invitae Variant Classification Sherloc (09022015). Collection method: clinical testing. Allele origin: germline.
Comment: This sequence change replaces glycine, which is neutral and non-polar, with valine, which is neutral and non-polar, at codon 695 of the WFS1 protein (p.Gly695Val). The frequency data for this variant in the population databases is considered unreliable, as metrics indicate poor data quality at this position in the gnomAD database. This missense change has been observed in individual(s) with autosomal recessive Wolfram syndrome (PMID: 9771706). In at least one individual the data is consistent with being in trans (on the opposite chromosome) from a pathogenic variant. It has also been observed to segregate with disease in related individuals. ClinVar contains an entry for this variant (Variation ID: 4510). Invitae Evidence Modeling of protein sequence and biophysical properties (such as structural, functional, and spatial information, amino acid conservation, physicochemical variation, residue mobility, and thermodynamic stability) indicates that this missense variant is expected to disrupt WFS1 protein function with a positive predictive value of 95%. Experimental studies have shown that this missense change affects WFS1 function (PMID: 16195229). For these reasons, this variant has been classified as Pathogenic.

Fulgent Genetics
Classification: Likely pathogenic for Cataract 41; Type 2 diabetes mellitus; Wolfram syndrome 1; Autosomal dominant nonsyndromic hearing loss 6; Wolfram-like syndrome. Last evaluated: 2024-04-06. Review status: criteria provided, single submitter. Criteria: ACMG Guidelines, 2015. Collection method: clinical testing. Allele origin: germline.

OMIM
Classification: Pathogenic for WOLFRAM SYNDROME 1. Last evaluated: 1998-10-01. Review status: no assertion criteria provided. Collection method: literature only. Allele origin: germline. Not counted in ClinVar's aggregate classification.

Literature cited by the submitters: PubMed 9771706 (cited by Labcorp Genetics (formerly Invitae), Labcorp and OMIM); PubMed 16195229 (cited by Labcorp Genetics (formerly Invitae), Labcorp).

NM_006005.3(WFS1):c.2084G>T (p.Gly695Val)

Gene: WFS1 (wolframin ER transmembrane glycoprotein; plus strand). Cytogenetic location: 4p16.1.
Variant type: single nucleotide variant.
Coding change: c.2084G>T on transcript NM_006005.3 (MANE Select); coding-DNA position 2084, G replaced by T.
Protein change: p.Gly695Val; replaces glycine 695 with valine.
Molecular consequence: missense variant.
Genome position (GRCh38, 1-based): chr4:6,301,879, G>T. VCF-style: chr4-6301879-G-T. GRCh37 (hg19) VCF-style: chr4-6303606-G-T.
Other names: WFS1, GLY695VAL (rs28937891); c.2084G>T, p.Gly695Val (NM_001145853.1); short protein forms G695V.
Identifiers: ClinVar variation 4510 (VCV000004510.7), dbSNP rs28937891, ClinGen allele CA253186.